The following is an entry in ClinVar:

NM_001165963.4(SCN1A):c.4757G>A (p.Gly1586Glu)

Genes: SCN1A (sodium voltage-gated channel alpha subunit 1; minus strand), LOC102724058 (uncharacterized LOC102724058; plus strand). Cytogenetic location: 2q24.3.
Variant type: single nucleotide variant.
Coding change: c.4757G>A on transcript NM_001165963.4 (MANE Select); coding-DNA position 4757, G replaced by A.
Protein change: p.Gly1586Glu; replaces glycine 1586 with glutamic acid.
Molecular consequence: missense variant. On other transcripts: non-coding transcript variant (1).
Genome position (GRCh38, 1-based): chr2:165,994,241, C>T on the plus strand (G>A on the coding strand, the complement: SCN1A is on the minus strand). VCF-style: chr2-165994241-C-T. GRCh37 (hg19) VCF-style: chr2-166850751-C-T.
Other names: c.4673G>A, p.Gly1558Glu (NM_001165964.3, NM_001353957.2, NM_001353958.2); c.4757G>A, p.Gly1586Glu (NM_001202435.3, NM_001353948.2); c.4724G>A, p.Gly1575Glu (NM_001353949.2, NM_001353950.2, NM_001353951.2 and 2 more transcripts); c.4721G>A, p.Gly1574Glu (NM_001353954.2, NM_001353955.2); c.4670G>A, p.Gly1557Glu (NM_001353960.2); c.2315G>A, p.Gly772Glu (NM_001353961.2); short protein forms G1575E, G1558E, G1586E, G1574E, G1557E, G772E.
Identifiers: ClinVar variation 68637 (VCV000068637.4), dbSNP rs121918742, ClinGen allele CA285180.
Genomic context (GRCh38, chr2:165,994,241, plus strand): 5'-ATATTCCATCCAATGGTAAAATAATAATGGCGTAGAGAGATGAGTTTCAGTACACACTCT[C>T]CAGTAAATAGCACAATGAACACCAGATTGATGCGTGACAAAATGGTAGTCACATATTCAC-3'
Protein context (NP_001159435.1, residues 1576-1596): INLVFIVLFT[Gly1586Glu]ECVLKLISLR

ClinVar aggregate classification (germline): Pathogenic. Review status: criteria provided, multiple submitters, no conflicts (2 of 4 stars). 3 submissions from 3 submitters: Pathogenic (2). 1 of the submissions does not count toward it. Last evaluated 2022-11-08.

Conditions:
Early-infantile DEE. Also called: Early infantile epileptic encephalopathy; Early infantile epileptic encephalopathy with suppression bursts; Ohtahara syndrome. Identifiers: Orphanet 1934, MedGen C0393706, MONDO:0800491.
Severe myoclonic epilepsy in infancy (DRVT). Also called: SEVERE MYOCLONIC EPILEPSY OF INFANCY; DEVELOPMENTAL AND EPILEPTIC ENCEPHALOPATHY 6A; Severe Myoclonic Epilepsy in Infancy (SMEI); Dravet syndrome; Epileptic encephalopathy, early infantile, 6 (Dravet syndrome). Identifiers: Orphanet 33069, MedGen C0751122, MONDO:0100135, OMIM 607208.

Submissions (3):

Labcorp Genetics (formerly Invitae), Labcorp
Classification: Pathogenic for Early-infantile DEE. Last evaluated: 2022-11-08. Review status: criteria provided, single submitter. Criteria: Invitae Variant Classification Sherloc (09022015). Collection method: clinical testing. Allele origin: germline.
Comment: For these reasons, this variant has been classified as Pathogenic. Advanced modeling of protein sequence and biophysical properties (such as structural, functional, and spatial information, amino acid conservation, physicochemical variation, residue mobility, and thermodynamic stability) performed at Invitae indicates that this missense variant is expected to disrupt SCN1A protein function. ClinVar contains an entry for this variant (Variation ID: 68637). This missense change has been observed in individual(s) with Dravet syndrome (PMID: 18930999, 20431604). In at least one individual the variant was observed to be de novo. This variant is not present in population databases (gnomAD no frequency). This sequence change replaces glycine, which is neutral and non-polar, with glutamic acid, which is acidic and polar, at codon 1586 of the SCN1A protein (p.Gly1586Glu).

Center for Bioinformatics, Peking University
Classification: Pathogenic for Dravet syndrome. Last evaluated: 2014-12-20. Review status: criteria provided, single submitter. Criteria: Xu et al. (Hum Mutat. 2015). Collection method: research. Allele origin: de novo. Affected: yes. Observed: 1 variant allele. Study: University Clinical Cooperation “985 Project” PKU-2014-1-1.
Comment: Dravet syndrome (DS) probands were recruited from the outpatient and inpatient child neurology units of Peking University First Hospital from 2005 till present. The study was approved by the Ethics Committee of Peking University First Hospital and the Institutional Review Board at Peking University. Participants or their parents provided written informed consent before enrollment. We collected a total of 267 mutations from 255 families with probands diagnosed with DS in China. All probands fulfilled the clinical diagnostic criteria.

UniProtKB/Swiss-Prot
No classification provided. Condition: Severe myoclonic epilepsy in infancy. Review status: no classification provided. Collection method: not provided. Allele origin: germline. Not counted in ClinVar's aggregate classification.

Literature cited by the submitters: PubMed 18930999 (cited by Labcorp Genetics (formerly Invitae), Labcorp); PubMed 20431604 (cited by Labcorp Genetics (formerly Invitae), Labcorp).